The following is an entry in ClinVar:

ClinVar aggregate classification (germline): not provided (0 of 4 stars; one submission).

Conditions:
Normal pregnancy. Identifiers: MedGen C0232989.

Submission:

Institute of Molecular and Cell Biology, University of Tartu
No classification provided. Condition: Normal pregnancy. Review status: no classification provided. Collection method: case-control. Allele origin: unknown. Affected: yes. Study: Kasak2014.
Comment: The study aimed to determine the contribution of copy number variants in the genetic etiology of normal and complicated pregnancies. The samples represented (i) maternal blood DNA drawn from healthy pregnant women during 1st or 2nd trimester and (ii) maternal and paternal blood DNA drawn at term pregnancy cases representing normal and complicated gestations (severe preeclampsia, PE; gestational diabetes, GD; small-for-gestational age newborn, SGA; large-for-gestational age newborn, LGA). We performed CNV calling based on genome-wide genotyping dataset (Illumina HumanOmniExpress-24-v1 BeadChip) by applying three algorithms, QuantiSNP, GADA (Genome Alteration Detection Algorithm) and CNstream in parallel. The acquired CNV calls were merged with HD-CNV (Hotspot Detector for Copy Number Variants) program and only the CNVs predicted by at least two programs, were considered in subsequent analysis.

Literature cited by the submitters: PubMed 25666259.

NM_001077418.3(TMEM231):c.310-1133_*2643dup

Gene: TMEM231 (transmembrane protein 231; minus strand). Cytogenetic location: 16q23.1.
Variant type: Duplication.
Coding change: c.310-1133_*2643dup on transcript NM_001077418.3 (MANE Select); 1133 bases into the intron before coding-DNA position 310 through 2643 bases downstream of the stop codon, 9,737 bases duplicated.
Molecular consequence: splice acceptor variant, splice donor variant.
Genome position (GRCh38, 1-based): chr16:75,537,351-75,547,087, 9,737 bases duplicated. GRCh37 (hg19): chr16:75,571,249-75,580,985.
Identifiers: ClinVar variation 157371 (VCV000157371.2).